The following is an entry in ClinVar:

ClinVar aggregate classification (germline): Likely pathogenic (1 of 4 stars; one submission).

Conditions:
Tip-toe gait. Also called: Toe walking. Identifiers: MedGen C0427144, HP:0030051.

Submission:

Practice for Gait Abnormalities, David Pomarino, Competency Network Toe Walking C/o Practice Pomarino
Classification: Likely pathogenic for Tip-toe gait. Last evaluated: 2020-10-06. Review status: criteria provided, single submitter. Criteria: ACMG Guidelines, 2015. Collection method: clinical testing. Allele origin: unknown, paternal. Affected: yes. Observed: 1 variant allele, 1 heterozygote.
Comment: We conducted a clinical examination of patients about toe walking. PRX: c.1905A>C was found in a father and son who have similar clinical symptoms. We also examined a control group of children without toe walking (100 children). In this group this variant could not be identified. Hereditary motor sensory neuropathy (HMSN), also known as Charcot-Marie-Tooth Disease (CMT), is the most commonly inherited peripheral polyneuropathy. It constitutes a group of inherited, progressive, motor and sensory peripheral nerve disorders with properties of demyelination, axonal degeneration, or both. It is classified by clinical characteristics, modes of inheritance, electrophysiologic features, metabolic defects, and specific gene markers. Our patients all walk on tiptoe, so they show similar symptoms. When we genetically test them with our toe walking panel, we find that around 90 per cent of them have a genetic variant that explains their toe walking. These can be assigned, for example, to the area of myopathies (such as variants of the COL6A3 gene), the area of hereditary neuropathies (such as variants of the KMT2C gene) or the area of metabolic diseases (such as variants of the PYGM gene). In a smaller group of patients with almost identical symptoms, no abnormality is found in the genes of our panel, but spastic paraplegia can be detected. In another small group of our toe walkers, no abnormalities can be detected in the genes analysed in our toe walking panel, nor do they suffer from spastic paraplegia, as is also the case with healthy children. In contrast to these, however, they show a tiptoe gait. These patients suffer from infantile cerebral palsy, in which toe walking can also be observed.

Literature cited by the submitters: PubMed 37091313.

NM_181882.3(PRX):c.1905A>C (p.Lys635Asn)

Gene: PRX (periaxin; minus strand). Cytogenetic location: 19q13.2.
Variant type: single nucleotide variant.
Coding change: c.1905A>C on transcript NM_181882.3 (MANE Select); coding-DNA position 1905, A replaced by C.
Protein change: p.Lys635Asn; replaces lysine 635 with asparagine.
Molecular consequence: missense variant. On other transcripts: 3 prime UTR variant (1).
Genome position (GRCh38, 1-based): chr19:40,396,447, T>G on the plus strand (A>C on the coding strand, the complement: PRX is on the minus strand). VCF-style: chr19-40396447-T-G. GRCh37 (hg19) VCF-style: chr19-40902354-T-G.
Other names: c.*2110A>C (NM_020956.2); short protein forms K635N.
Identifiers: ClinVar variation 997013 (VCV000997013.5), dbSNP rs1568707185, ClinGen allele CA405897414.